The following is an entry in ClinVar:

ClinVar aggregate classification (germline): Conflicting classifications of pathogenicity. Review status: criteria provided, conflicting classifications (1 of 4 stars). 2 submissions from 2 submitters: Uncertain significance (1); Likely benign (1). Last evaluated 2023-03-01.

Conditions:
GM3 synthase deficiency (SPDRS). Also called: SALT AND PEPPER MENTAL RETARDATION SYNDROME; SALT AND PEPPER DEVELOPMENTAL REGRESSION SYNDROME; AMISH INFANTILE EPILEPSY SYNDROME. Identifiers: Orphanet 171714, Orphanet 370933, MedGen C1836824, MONDO:0018274, OMIM 609056.

Submissions (2):

CeGaT Center for Human Genetics Tuebingen
Classification: Likely benign. Last evaluated: 2023-03-01. Review status: criteria provided, single submitter. Criteria: CeGaT Center For Human Genetics Tuebingen Variant Classification Criteria Version 2. Collection method: clinical testing. Allele origin: germline. Affected: yes. Observed: 1 variant allele.
Comment: ATXN2: BP3

Genomic Research Center, Shahid Beheshti University of Medical Sciences
Classification: Uncertain significance for Salt and pepper developmental regression syndrome. Last evaluated: 2020-05-03. Review status: criteria provided, single submitter. Criteria: ACMG Guidelines, 2015. Collection method: clinical testing. Allele origin: unknown.

NM_001372574.1(ATXN2):c.176_190del (p.Val59_Ser63del)

Genes: ATXN2 (ataxin 2; minus strand), LOC130008791 (ATAC-STARR-seq lymphoblastoid silent region 4872; plus strand). Cytogenetic location: 12q24.12.
Variant type: Deletion.
Coding change: c.176_190del on transcript NM_001372574.1 (MANE Select); coding-DNA positions 176 to 190, 15 bases deleted (TCTCCTCGTCCTCGG).
Protein change: p.Val59_Ser63del.
Molecular consequence: inframe deletion. On other transcripts: non-coding transcript variant (1), intron variant (2).
Genome position (GRCh38, 1-based): chr12:111,598,845-111,598,859, CCGAGGACGAGGAGA deleted on the plus strand (TCTCCTCGTCCTCGG on the coding strand, the reverse complement: ATXN2 is on the minus strand); deleting any 15 consecutive bases within chr12:111,598,845-111,598,872 gives the same sequence; the c. name uses the placement nearest the transcript's 3' end. VCF-style (leftmost placement, unchanged base first): chr12-111598844-GCCGAGGACGAGGAGA-G. GRCh37 (hg19) VCF-style: chr12-112036648-GCCGAGGACGAGGAGA-G.
Other names: c.176_190del, p.Val59_Ser63del (NM_002973.4); c.-28+716_-28+730del (NM_001310123.1); c.-65+716_-65+730del (NM_001310121.1).
Identifiers: ClinVar variation 522972 (VCV000522972.32), dbSNP rs778119853, ClinGen allele CA243622139.